The following is an entry in ClinVar:

NM_013276.4(SHPK):c.955G>A (p.Ala319Thr)

Gene: SHPK (sedoheptulokinase; minus strand). Cytogenetic location: 17p13.2.
Variant type: single nucleotide variant.
Coding change: c.955G>A on transcript NM_013276.4 (MANE Select); coding-DNA position 955, G replaced by A.
Protein change: p.Ala319Thr; replaces alanine 319 with threonine.
Molecular consequence: missense variant.
Genome position (GRCh38, 1-based): chr17:3,615,406, C>T on the plus strand (G>A on the coding strand, the complement: SHPK is on the minus strand). VCF-style: chr17-3615406-C-T. GRCh37 (hg19) VCF-style: chr17-3518700-C-T.
Other names: short protein forms A319T.
Identifiers: ClinVar variation 791197 (VCV000791197.14), dbSNP rs115591129, ClinGen allele CA8291167.

ClinVar aggregate classification (germline): Benign. Review status: criteria provided, multiple submitters, no conflicts (2 of 4 stars). 3 submissions from 3 submitters: Benign (2). 1 of the submissions does not count toward it. Last evaluated 2026-01-29.

Conditions:
SHPK-related disorder. Also called: SHPK-related condition.

Allele frequency attached by ClinVar (database versions not stated): gnomAD exomes 0.00090 and 0.00249; ExAC 0.00320; gnomAD 0.00886; TOPMed 0.01002; ESP Exome Variant Server 0.01061; 1000 Genomes Project 0.01098; 1000 Genomes Project 30x 0.01109.
gnomAD v4.1: 2,786 of 1,614,168 alleles (0.17%); highest among the groups gnomAD compares: African/African-American, 3.3%; 35 homozygotes.

Submissions (3):

Labcorp Genetics (formerly Invitae), Labcorp
Classification: Benign. Last evaluated: 2026-01-29. Review status: criteria provided, single submitter. Criteria: Invitae Variant Classification Sherloc (09022015). Collection method: clinical testing. Allele origin: germline.

Breakthrough Genomics
Classification: Benign. Review status: criteria provided, single submitter. Criteria: ACMG Guidelines, 2015. Collection method: not provided. Allele origin: germline. Inheritance: Autosomal recessive inheritance. Affected: yes.

PreventionGenetics, part of Exact Sciences
Classification: Benign for SHPK-related condition. Last evaluated: 2019-08-09. Review status: no assertion criteria provided. Collection method: clinical testing. Allele origin: germline. Not counted in ClinVar's aggregate classification.
Comment: This variant is classified as benign based on ACMG/AMP sequence variant interpretation guidelines (Richards et al. 2015 PMID: 25741868, with internal and published modifications).